The following is an entry in ClinVar:

NM_000292.3(PHKA2):c.1579C>G (p.Gln527Glu)

Gene: PHKA2 (phosphorylase kinase regulatory subunit alpha 2; minus strand). Cytogenetic location: Xp22.13.
Variant type: single nucleotide variant.
Coding change: c.1579C>G on transcript NM_000292.3 (MANE Select); coding-DNA position 1579, C replaced by G.
Protein change: p.Gln527Glu; replaces glutamine 527 with glutamic acid.
Molecular consequence: missense variant.
Genome position (GRCh38, 1-based): chrX:18,924,516, G>C on the plus strand (C>G on the coding strand, the complement: PHKA2 is on the minus strand). VCF-style: chrX-18924516-G-C. GRCh37 (hg19) VCF-style: chrX-18942634-G-C.
Other names: short protein forms Q527E.
Identifiers: ClinVar variation 511283 (VCV000511283.9), dbSNP rs17856445, ClinGen allele CA10361842.

ClinVar aggregate classification (germline): Benign/Likely benign. Review status: criteria provided, multiple submitters, no conflicts (2 of 4 stars). 3 submissions from 3 submitters: Benign (1); Likely benign (2). Last evaluated 2026-02-02.

Conditions:
Inborn genetic diseases. Identifiers: MedGen C0950123, MeSH D030342.
Glycogen storage disease IXa1. Also called: GLYCOGEN STORAGE DISEASE VIII; GSD VIII; Glycogen storage disease 8; LIVER GLYCOGENOSIS, X-LINKED, TYPE I. Identifiers: Orphanet 264580, MedGen C3694531, MONDO:0010598, OMIM 306000.

Allele frequency attached by ClinVar (database versions not stated): gnomAD 0.00037 and 0.00039; gnomAD exomes 0.00037 and 0.00059; ExAC 0.00039; TOPMed 0.00043; ESP Exome Variant Server 0.00057.
gnomAD v4.1: 468 of 1,209,141 alleles (0.039%); highest among the groups gnomAD compares: Middle Eastern, 0.069%; no homozygotes.

Submissions (3):

Labcorp Genetics (formerly Invitae), Labcorp
Classification: Benign for Glycogen storage disease IXa1. Last evaluated: 2026-02-02. Review status: criteria provided, single submitter. Criteria: Invitae Variant Classification Sherloc (09022015). Collection method: clinical testing. Allele origin: germline.

Ambry Genetics
Classification: Likely benign for Inborn genetic diseases. Last evaluated: 2022-01-03. Review status: criteria provided, single submitter. Criteria: Ambry Variant Classification Scheme 2023. Collection method: clinical testing. Allele origin: germline.

GeneDx
Classification: Likely benign. Last evaluated: 2017-09-05. Review status: criteria provided, single submitter. Criteria: GeneDx Variant Classification (06012015). Collection method: clinical testing. Allele origin: germline. Affected: yes.
Comment: This variant is considered likely benign or benign based on one or more of the following criteria: it is a conservative change, it occurs at a poorly conserved position in the protein, it is predicted to be benign by multiple in silico algorithms, and/or has population frequency not consistent with disease.